The following is an entry in ClinVar:

NM_015338.6(ASXL1):c.2327T>C (p.Val776Ala)

Gene: ASXL1 (ASXL transcriptional regulator 1; plus strand). Cytogenetic location: 20q11.21.
Variant type: single nucleotide variant.
Coding change: c.2327T>C on transcript NM_015338.6 (MANE Select); coding-DNA position 2327, T replaced by C.
Protein change: p.Val776Ala; replaces valine 776 with alanine.
Molecular consequence: missense variant.
Genome position (GRCh38, 1-based): chr20:32,435,039, T>C. VCF-style: chr20-32435039-T-C. GRCh37 (hg19) VCF-style: chr20-31022842-T-C.
Other names: c.2144T>C, p.Val715Ala (NM_001363734.1); short protein forms V715A, V776A.
Identifiers: ClinVar variation 4587619 (VCV004587619.1).

ClinVar aggregate classification (germline): Uncertain significance (1 of 4 stars; one submission).

Conditions:
Inborn genetic diseases. Identifiers: MedGen C0950123, MeSH D030342.

Submission:

Ambry Genetics
Classification: Uncertain significance for Inborn genetic diseases. Last evaluated: 2025-10-05. Review status: criteria provided, single submitter. Criteria: Ambry Variant Classification Scheme 2023. Collection method: clinical testing. Allele origin: germline.
Comment: The p.V776A variant (also known as c.2327T>C), located in coding exon 13 of the ASXL1 gene, results from a T to C substitution at nucleotide position 2327. The valine at codon 776 is replaced by alanine, an amino acid with similar properties. This amino acid position is conserved. In addition, this alteration is predicted to be tolerated by in silico analysis. Based on the available evidence, the clinical significance of this variant remains unclear.